The following is an entry in ClinVar:

ClinVar aggregate classification (germline): Uncertain significance. Review status: criteria provided, multiple submitters, no conflicts (2 of 4 stars). 2 submissions from 2 submitters: Uncertain significance (2). Last evaluated 2023-03-11.

Conditions:
Leukodystrophy, hypomyelinating, 7, with or without oligodontia and/or hypogonadotropic hypogonadism (HLD7). Also called: LEUKODYSTROPHY, HYPOMYELINATING, 7, WITH OLIGODONTIA; LEUKODYSTROPHY, HYPOMYELINATING, 7, WITH OLIGODONTIA AND HYPOGONADOTROPIC HYPOGONADISM; LEUKODYSTROPHY, HYPOMYELINATING, 7, WITHOUT OLIGODONTIA OR HYPOGONADOTROPIC HYPOGONADISM; LEUKOENCEPHALOPATHY, HYPOMYELINATING, WITH ATAXIA AND DELAYED DENTITION; ATAXIA, DELAYED DENTITION, AND HYPOMYELINATION; Ataxia, Delayed Dentition and Hypomyelination (ADDH). Identifiers: Orphanet 137639, Orphanet 447893, Orphanet 447896, Orphanet 77295, Orphanet 88637, MedGen CN034185, MONDO:0011897, OMIM 607694.

Allele frequency attached by ClinVar (database versions not stated): gnomAD 0.00001; gnomAD exomes 0.00002; TOPMed 0.00003.
gnomAD v4.1: 24 of 1,613,854 alleles (0.0015%); highest among the groups gnomAD compares: African/African-American, 0.0067%; no homozygotes.

Submissions (2):

Labcorp Genetics (formerly Invitae), Labcorp
Classification: Uncertain significance. Last evaluated: 2023-03-11. Review status: criteria provided, single submitter. Criteria: Invitae Variant Classification Sherloc (09022015). Collection method: clinical testing. Allele origin: germline.
Comment: In summary, the available evidence is currently insufficient to determine the role of this variant in disease. Therefore, it has been classified as a Variant of Uncertain Significance. Advanced modeling of protein sequence and biophysical properties (such as structural, functional, and spatial information, amino acid conservation, physicochemical variation, residue mobility, and thermodynamic stability) has been performed at Invitae for this missense variant, however the output from this modeling did not meet the statistical confidence thresholds required to predict the impact of this variant on POLR3A protein function. ClinVar contains an entry for this variant (Variation ID: 1030185). This variant has not been reported in the literature in individuals affected with POLR3A-related conditions. This variant is not present in population databases (gnomAD no frequency). This sequence change replaces leucine, which is neutral and non-polar, with proline, which is neutral and non-polar, at codon 1226 of the POLR3A protein (p.Leu1226Pro).

Baylor Genetics
Classification: Uncertain significance for Leukodystrophy, hypomyelinating, 7, with or without oligodontia and/or hypogonadotropic hypogonadism. Last evaluated: 2019-06-05. Review status: criteria provided, single submitter. Criteria: ACMG Guidelines, 2015. Collection method: clinical testing. Allele origin: unknown. Affected: yes.
Comment: This variant was determined to be of uncertain significance according to ACMG Guidelines, 2015 [PMID:25741868].

NM_007055.4(POLR3A):c.3677T>C (p.Leu1226Pro)

Gene: POLR3A (RNA polymerase III subunit A; minus strand). Cytogenetic location: 10q22.3.
Variant type: single nucleotide variant.
Coding change: c.3677T>C on transcript NM_007055.4 (MANE Select); coding-DNA position 3677, T replaced by C.
Protein change: p.Leu1226Pro; replaces leucine 1226 with proline.
Molecular consequence: missense variant.
Genome position (GRCh38, 1-based): chr10:77,982,236, A>G on the plus strand (T>C on the coding strand, the complement: POLR3A is on the minus strand). VCF-style: chr10-77982236-A-G. GRCh37 (hg19) VCF-style: chr10-79741994-A-G.
Other names: short protein forms L1226P.
Identifiers: ClinVar variation 1030185 (VCV001030185.6), dbSNP rs1370860604, ClinGen allele CA377327432.